The following is an entry in ClinVar:

ClinVar aggregate classification (germline): Likely benign. Review status: criteria provided, multiple submitters, no conflicts (2 of 4 stars). 3 submissions from 3 submitters: Likely benign (3). Last evaluated 2026-08-01.

Conditions:
Inborn genetic diseases. Identifiers: MedGen C0950123, MeSH D030342.

Submissions (3):

CeGaT Center for Human Genetics Tuebingen
Classification: Likely benign. Last evaluated: 2026-08-01. Review status: criteria provided, single submitter. Criteria: CeGaT Center For Human Genetics Tuebingen Variant Classification Criteria Version 2. Collection method: clinical testing. Allele origin: germline. Affected: yes. Observed: 2 variant alleles.
Comment: ZSWIM6: BP3

Laboratory of Genetics, Children's Clinical University Hospital Latvia
Classification: Likely benign. Last evaluated: 2025-02-16. Review status: criteria provided, single submitter. Criteria: ACMG Guidelines, 2015. Collection method: clinical testing. Allele origin: germline. Affected: yes.

Ambry Genetics
Classification: Likely benign for Inborn genetic diseases. Last evaluated: 2022-05-14. Review status: criteria provided, single submitter. Criteria: Ambry Variant Classification Scheme 2023. Collection method: clinical testing. Allele origin: germline.

NM_020928.2(ZSWIM6):c.442GGC[6] (p.Gly154del)

Gene: ZSWIM6 (zinc finger SWIM-type containing 6; plus strand). Cytogenetic location: 5q12.1.
Variant type: Microsatellite.
Coding change: c.442GGC[6] on transcript NM_020928.2 (MANE Select); six copies in a row of the 3-base unit GGC starting at c.442; the reference has seven copies in a row; one copy, 3 bases deleted.
Protein change: p.Gly154del; deletes glycine 154.
Molecular consequence: inframe deletion.
Genome position (GRCh38, 1-based): chr5:61,332,732-61,332,734, GGC deleted; deleting any 3 consecutive bases within chr5:61,332,714-61,332,734 gives the same sequence; the position shown is the placement nearest the transcript's 3' end. VCF-style (leftmost placement, unchanged base first): chr5-61332713-GGGC-G. GRCh37 (hg19) VCF-style: chr5-60628540-GGGC-G.
Other names: short protein forms G154del.
Identifiers: ClinVar variation 2343729 (VCV002343729.24), dbSNP rs864309616, ClinGen allele CA444673923.